The following is an entry in ClinVar:

NM_000701.8(ATP1A1):c.2125-1G>C

Genes: ATP1A1 (ATPase Na+/K+ transporting subunit alpha 1; plus strand), ATP1A1-AS1 (ATP1A1 antisense RNA 1; minus strand). Cytogenetic location: 1p13.1.
Variant type: single nucleotide variant.
Coding change: c.2125-1G>C on transcript NM_000701.8 (MANE Select); the canonical splice acceptor site of the intron before coding-DNA position 2125, G replaced by C.
Molecular consequence: splice acceptor variant.
Genome position (GRCh38, 1-based): chr1:116,398,620, G>C. VCF-style: chr1-116398620-G-C. GRCh37 (hg19) VCF-style: chr1-116941242-G-C.
Other names: c.2125-1G>C (NM_001160233.2); c.2032-1G>C (NM_001160234.2).
Identifiers: ClinVar variation 2017722 (VCV002017722.4), dbSNP rs2525880685, ClinGen allele CA341772969.
Genomic context (GRCh38, chr1:116,398,620, plus strand): 5'-CACTATTTCCATCGCTAGGAAAAGTGATTGGTATTAACCCGTTTTCCCTTTTCTGGGGTA[G>C]GGTGCTATCGTGGCTGTGACTGGTGACGGTGTGAATGACTCTCCAGCTTTGAAGAAAGCA-3'

ClinVar aggregate classification (germline): Uncertain significance (1 of 4 stars; one submission).

Submission:

Labcorp Genetics (formerly Invitae), Labcorp
Classification: Uncertain significance. Last evaluated: 2022-07-16. Review status: criteria provided, single submitter. Criteria: Invitae Variant Classification Sherloc (09022015). Collection method: clinical testing. Allele origin: germline.
Comment: In summary, the available evidence is currently insufficient to determine the role of this variant in disease. Therefore, it has been classified as a Variant of Uncertain Significance. Algorithms developed to predict the effect of sequence changes on RNA splicing suggest that this variant may disrupt the consensus splice site. This variant has not been reported in the literature in individuals affected with ATP1A1-related conditions. This variant is not present in population databases (gnomAD no frequency). This sequence change affects an acceptor splice site in intron 15 of the ATP1A1 gene. It is expected to disrupt RNA splicing. Variants that disrupt the donor or acceptor splice site typically lead to a loss of protein function (PMID: 16199547), however the current clinical and genetic evidence is not sufficient to establish whether loss-of-function variants in ATP1A1 cause disease.

Literature cited by the submitters: PubMed 16199547.